The following is an entry in ClinVar:

ClinVar aggregate classification (germline): Uncertain significance. Review status: criteria provided, multiple submitters, no conflicts (2 of 4 stars). 7 submissions from 7 submitters: Uncertain significance (6). 1 of the submissions does not count toward it. Last evaluated 2026-05-26.

Conditions:
VPS13B-related disorder. Also called: VPS13B-related condition.
Inborn genetic diseases. Identifiers: MedGen C0950123, MeSH D030342.
Cohen syndrome (COH1). Also called: PEPPER SYNDROME; Cutis verticis gyrata, retinitis pigmentosa, and sensorineural deafness. Identifiers: Orphanet 193, MedGen C0265223, MONDO:0008999, OMIM 216550.

Allele frequency attached by ClinVar (database versions not stated): TOPMed 0.00004; gnomAD 0.00008 and 0.00009; gnomAD exomes 0.00014; ExAC 0.00016; ESP Exome Variant Server 0.00023.
gnomAD v4.1: 215 of 1,613,760 alleles (0.013%); highest among the groups gnomAD compares: South Asian, 0.037%; no homozygotes.

Submissions (7):

PreventionGenetics, part of Exact Sciences
Classification: Uncertain significance for VPS13B-related condition. Last evaluated: 2026-05-26. Review status: criteria provided, single submitter. Criteria: ACMG Guidelines, 2015. Collection method: clinical testing. Allele origin: germline.
Comment: The VPS13B c.560G>A variant is predicted to result in the amino acid substitution p.Arg187His. To our knowledge, this variant has not been reported in the literature. This variant is reported in 0.046% of alleles in individuals of South Asian descent in gnomAD. At this time, the clinical significance of this variant is uncertain due to the absence of conclusive functional and genetic evidence.

Mayo Clinic Laboratories, Mayo Clinic
Classification: Uncertain significance. Last evaluated: 2025-01-17. Review status: criteria provided, single submitter. Criteria: ACMG Guidelines, 2015. Collection method: clinical testing. Allele origin: germline. Observed: 1 variant allele.

Labcorp Genetics (formerly Invitae), Labcorp
Classification: Uncertain significance for Cohen syndrome. Last evaluated: 2022-10-24. Review status: criteria provided, single submitter. Criteria: Invitae Variant Classification Sherloc (09022015). Collection method: clinical testing. Allele origin: germline.
Comment: This sequence change replaces arginine, which is basic and polar, with histidine, which is basic and polar, at codon 187 of the VPS13B protein (p.Arg187His). This variant is present in population databases (rs150941426, gnomAD 0.04%). This variant has not been reported in the literature in individuals affected with VPS13B-related conditions. ClinVar contains an entry for this variant (Variation ID: 437253). Advanced modeling of protein sequence and biophysical properties (such as structural, functional, and spatial information, amino acid conservation, physicochemical variation, residue mobility, and thermodynamic stability) performed at Invitae indicates that this missense variant is expected to disrupt VPS13B protein function. In summary, the available evidence is currently insufficient to determine the role of this variant in disease. Therefore, it has been classified as a Variant of Uncertain Significance.

Ambry Genetics
Classification: Uncertain significance for Inborn genetic diseases. Last evaluated: 2021-12-28. Review status: criteria provided, single submitter. Criteria: Ambry Variant Classification Scheme 2023. Collection method: clinical testing. Allele origin: germline.

GeneDx
Classification: Uncertain significance. Last evaluated: 2018-05-17. Review status: criteria provided, single submitter. Criteria: GeneDx Variant Classification (06012015). Collection method: clinical testing. Allele origin: germline. Affected: yes.
Comment: The R187H variant has not been published as a pathogenic variant, nor has it been reported as a benign variant to our knowledge. The R187H variant is observed in 13/30782 (0.04%) alleles from individuals of South Asian background (Lek et al., 2016). The R187H variant is a conservative amino acid substitution, which is not likely to impact secondary protein structure as these residues share similar properties. However, in-silico analyses, including protein predictors and evolutionary conservation, support a deleterious effect. Therefore, based on the currently available information, it is unclear whether this variant is a pathogenic variant or a rare benign variant.

Genetic Services Laboratory, University of Chicago
Classification: Uncertain significance. Last evaluated: 2015-11-19. Review status: criteria provided, single submitter. Criteria: ACMG Guidelines, 2015. Collection method: clinical testing. Allele origin: germline. Affected: no.

Natera, Inc.
Classification: Uncertain significance for Cohen syndrome. Last evaluated: 2020-04-15. Review status: no assertion criteria provided. Collection method: clinical testing. Allele origin: germline. Not counted in ClinVar's aggregate classification.

NM_152564.5(VPS13B):c.560G>A (p.Arg187His)

Gene: VPS13B (vacuolar protein sorting 13 homolog B; plus strand). Cytogenetic location: 8q22.2.
Variant type: single nucleotide variant.
Coding change: c.560G>A on transcript NM_152564.5 (MANE Select); coding-DNA position 560, G replaced by A.
Protein change: p.Arg187His; replaces arginine 187 with histidine.
Molecular consequence: missense variant. On other transcripts: non-coding transcript variant (1).
Genome position (GRCh38, 1-based): chr8:99,103,100, G>A. VCF-style: chr8-99103100-G-A. GRCh37 (hg19) VCF-style: chr8-100115328-G-A.
Other names: p.Arg187His; c.560G>A, p.Arg187His (NM_015243.3, NM_017890.5, NM_181661.3); c.560G>A (NM_152564.4); short protein forms R187H.
Identifiers: ClinVar variation 437253 (VCV000437253.15), dbSNP rs150941426, ClinGen allele CA4822410.